The following is an entry in ClinVar:

NM_133368.3(RSPRY1):c.1422T>A (p.Cys474Ter)

Gene: RSPRY1 (ring finger and SPRY domain containing 1; plus strand). Cytogenetic location: 16q13.
Variant type: single nucleotide variant.
Coding change: c.1422T>A on transcript NM_133368.3 (MANE Select); coding-DNA position 1422, T replaced by A.
Protein change: p.Cys474Ter; replaces cysteine 474 with a stop codon.
Molecular consequence: nonsense.
Genome position (GRCh38, 1-based): chr16:57,231,212, T>A. VCF-style: chr16-57231212-T-A. GRCh37 (hg19) VCF-style: chr16-57265124-T-A.
Other names: c.1422T>A, p.Cys474Ter (NM_001305163.2, NM_001305164.2); short protein forms C474*.
Identifiers: ClinVar variation 1029071 (VCV001029071.1), dbSNP rs2075214464, ClinGen allele CA396020450.
Genomic context (GRCh38, chr16:57,231,212, plus strand): 5'-TCATTTTATTTGTAGATCTGGATTTTTTGCTGCAGCTAGTTTCATGTCATATCAACAATG[T>A]GAGTTCAATTTTGGAGCAAAACCATTCAAATACCCACCATCTATGAAATTTAGCACTTTT-3'

ClinVar aggregate classification (germline): Pathogenic (1 of 4 stars; one submission).

Conditions:
Progressive spondyloepimetaphyseal dysplasia-short stature-short fourth metatarsals-intellectual disability syndrome. Also called: SPONDYLOEPIMETAPHYSEAL DYSPLASIA, PROGRESSIVE, WITH SHORT STATURE, FACIAL DYSMORPHISM, SHORT FOURTH METATARSALS, AND MENTAL RETARDATION, WITH OR WITHOUT CRANIOSYNOSTOSIS; Spondyloepimetaphyseal dysplasia, Faden-Alkuraya type. Identifiers: Orphanet 457395, MedGen C5568882, MONDO:0014748, OMIM 616723.

Submission:

Baylor Genetics
Classification: Pathogenic for Progressive spondyloepimetaphyseal dysplasia-short stature-short fourth metatarsals-intellectual disability syndrome. Last evaluated: 2020-06-03. Review status: criteria provided, single submitter. Criteria: ACMG Guidelines, 2015. Collection method: clinical testing. Allele origin: unknown. Affected: yes.
Comment: This variant was determined to be pathogenic according to ACMG Guidelines, 2015 [PMID:25741868].